The following is an entry in ClinVar:

NM_019109.5(ALG1):c.1385T>C (p.Met462Thr)

Genes: ALG1 (ALG1 chitobiosyldiphosphodolichol beta-mannosyltransferase; plus strand), EEF2KMT (eukaryotic elongation factor 2 lysine methyltransferase; minus strand). Cytogenetic location: 16p13.3.
Variant type: single nucleotide variant.
Coding change: c.1385T>C on transcript NM_019109.5 (MANE Select); coding-DNA position 1385, T replaced by C.
Protein change: p.Met462Thr; replaces methionine 462 with threonine.
Molecular consequence: missense variant. On other transcripts: 3 prime UTR variant (3).
Genome position (GRCh38, 1-based): chr16:5,084,871, T>C. VCF-style: chr16-5084871-T-C. GRCh37 (hg19) VCF-style: chr16-5134872-T-C.
Other names: c.*761A>G (NM_001289029.2, NM_201400.4, NM_201598.4); c.1052T>C, p.Met351Thr (NM_001330504.2); short protein forms M462T, M351T.
Identifiers: ClinVar variation 1398210 (VCV001398210.9), dbSNP rs1957097146, ClinGen allele CA394675046.

ClinVar aggregate classification (germline): Uncertain significance. Review status: criteria provided, multiple submitters, no conflicts (2 of 4 stars). 2 submissions from 2 submitters: Uncertain significance (2). Last evaluated 2024-05-11.

Conditions:
ALG1-congenital disorder of glycosylation. Also called: CONGENITAL DISORDER OF GLYCOSYLATION, TYPE Ik; ALG1-CDG; CDG Ik. Identifiers: Orphanet 79327, MedGen C2931005, MONDO:0012052, OMIM 608540.

Submissions (2):

Fulgent Genetics
Classification: Uncertain significance for ALG1-congenital disorder of glycosylation. Last evaluated: 2024-05-11. Review status: criteria provided, single submitter. Criteria: ACMG Guidelines, 2015. Collection method: clinical testing. Allele origin: germline.

Labcorp Genetics (formerly Invitae), Labcorp
Classification: Uncertain significance for ALG1-congenital disorder of glycosylation. Last evaluated: 2020-12-18. Review status: criteria provided, single submitter. Criteria: Invitae Variant Classification Sherloc (09022015). Collection method: clinical testing. Allele origin: germline.
Comment: In summary, the available evidence is currently insufficient to determine the role of this variant in disease. Therefore, it has been classified as a Variant of Uncertain Significance. Advanced modeling of protein sequence and biophysical properties (such as structural, functional, and spatial information, amino acid conservation, physicochemical variation, residue mobility, and thermodynamic stability) performed at Invitae indicates that this missense variant is not expected to disrupt ALG1 protein function. This variant has not been reported in the literature in individuals with ALG1-related conditions. This variant is not present in population databases (ExAC no frequency). This sequence change replaces methionine with threonine at codon 462 of the ALG1 protein (p.Met462Thr). The methionine residue is weakly conserved and there is a moderate physicochemical difference between methionine and threonine.